The following is an entry in ClinVar:

NM_000130.5(F5):c.2925C>T (p.Pro975=)

Gene: F5 (coagulation factor V; minus strand). Cytogenetic location: 1q24.2.
Variant type: single nucleotide variant.
Coding change: c.2925C>T on transcript NM_000130.5 (MANE Select); coding-DNA position 2925, C replaced by T.
Protein change: p.Pro975=; no amino-acid change (proline 975 retained).
Molecular consequence: synonymous variant.
Genome position (GRCh38, 1-based): chr1:169,542,165, G>A on the plus strand (C>T on the coding strand, the complement: F5 is on the minus strand). VCF-style: chr1-169542165-G-A. GRCh37 (hg19) VCF-style: chr1-169511403-G-A.
Other names: p.Pro975=.
Identifiers: ClinVar variation 293615 (VCV000293615.11), dbSNP rs41272457, ClinGen allele CA1234007.

ClinVar aggregate classification (germline): Benign/Likely benign. Review status: criteria provided, multiple submitters, no conflicts (2 of 4 stars). 6 submissions from 4 submitters: Benign (4); Likely benign (2). Last evaluated 2026-02-04.

Conditions:
Factor V deficiency. Also called: Reduced coagulation factor V activity. Identifiers: Orphanet 326, MedGen C4317320, MONDO:0020586, HP:0003225.
Congenital factor V deficiency. Also called: Hereditary factor V deficiency disease; LABILE FACTOR DEFICIENCY; PARAHEMOPHILIA; OWREN PARAHEMOPHILIA. Identifiers: Orphanet 326, MedGen C0015499, MONDO:0009210, OMIM 227400.
Budd-Chiari syndrome (BDCHS). Also called: Hepatic vein obstruction. Identifiers: Orphanet 131, MedGen C0856761, MONDO:0010947, OMIM 600880, HP:0002639.
Thrombophilia due to thrombin defect (THPH1). Also called: Thrombosis susceptibility; THROMBOPHILIA DUE TO FACTOR 2 DEFECT; Prothrombin-Related Thrombophilia (Factor II); Prothrombin Thrombophilia. Identifiers: MedGen C3160733, MONDO:0008559, OMIM 188050. Disease mechanism: gain of function, loss of function.

Allele frequency attached by ClinVar (database versions not stated): 1000 Genomes Project 30x 0.00500; 1000 Genomes Project 0.00519; TOPMed 0.01241; ExAC 0.01429; gnomAD exomes 0.01475; gnomAD 0.01489 and 0.01542; ESP Exome Variant Server 0.01615.
gnomAD v4.1: 30,870 of 1,614,024 alleles (1.9%); highest among the groups gnomAD compares: Non-Finnish European, 2.3%; 354 homozygotes.

Submissions (6):

Labcorp Genetics (formerly Invitae), Labcorp
Classification: Benign for Congenital factor V deficiency. Last evaluated: 2026-02-04. Review status: criteria provided, single submitter. Criteria: Invitae Variant Classification Sherloc (09022015). Collection method: clinical testing. Allele origin: germline.

Illumina Laboratory Services, Illumina
Classification: Benign for Congenital factor V deficiency. Last evaluated: 2018-01-13. Review status: criteria provided, single submitter. Criteria: ICSL Variant Classification Criteria 13 December 2019. Collection method: clinical testing. Allele origin: germline.
Comment: This variant was observed in the ICSL laboratory as part of a predisposition screen in an ostensibly healthy population. It had not been previously curated by ICSL or reported in the Human Gene Mutation Database (HGMD: prior to June 1st, 2018), and was therefore a candidate for classification through an automated scoring system. Utilizing variant allele frequency, disease prevalence and penetrance estimates, and inheritance mode, an automated score was calculated to assess if this variant is too frequent to cause the disease. Based on the score and internal cut-off values, a variant classified as benign is not then subjected to further curation. The score for this variant resulted in a classification of benign for this disease.

Illumina Laboratory Services, Illumina
Classification: Likely benign for Venous thrombosis. Last evaluated: 2018-01-13. Review status: criteria provided, single submitter. Criteria: ICSL Variant Classification Criteria 13 December 2019. Collection method: clinical testing. Allele origin: germline.
Comment: This variant was observed in the ICSL laboratory as part of a predisposition screen in an ostensibly healthy population. It had not been previously curated by ICSL or reported in the Human Gene Mutation Database (HGMD: prior to June 1st, 2018), and was therefore a candidate for classification through an automated scoring system. Utilizing variant allele frequency, disease prevalence and penetrance estimates, and inheritance mode, an automated score was calculated to assess if this variant is too frequent to cause the disease. Based on the score and internal cut-off values, a variant classified as likely benign is not then subjected to further curation. The score for this variant resulted in a classification of likely benign for this disease.

Illumina Laboratory Services, Illumina
Classification: Benign for Budd-Chiari syndrome. Last evaluated: 2018-01-13. Review status: criteria provided, single submitter. Criteria: ICSL Variant Classification Criteria 13 December 2019. Collection method: clinical testing. Allele origin: germline.
Comment: the same text as in the submission from Illumina Laboratory Services, Illumina above.

Mayo Clinic Laboratories, Mayo Clinic
Classification: Benign. Last evaluated: 2016-09-14. Review status: criteria provided, single submitter. Criteria: ACMG Guidelines, 2015. Collection method: clinical testing. Allele origin: germline. Observed: 8 variant alleles.

Breakthrough Genomics
Classification: Likely benign. Review status: criteria provided, single submitter. Criteria: ACMG Guidelines, 2015. Collection method: not provided. Allele origin: germline. Inheritance: Autosomal recessive inheritance. Affected: yes.